The following is an entry in ClinVar:

ClinVar aggregate classification (germline): Benign/Likely benign. Review status: criteria provided, multiple submitters, no conflicts (2 of 4 stars). 11 submissions from 11 submitters: Benign (2); Likely benign (8). 1 of the submissions does not count toward it. Last evaluated 2025-12-14.

Conditions:
CHEK2-related disorder.
Breast and/or ovarian cancer. Identifiers: MedGen CN221562.
Hereditary cancer-predisposing syndrome. Also called: Tumor predisposition; Hereditary neoplastic syndrome; Hereditary Cancer Syndrome; Neoplastic Syndromes, Hereditary. Identifiers: Orphanet 140162, MedGen C0027672, MeSH D009386, MONDO:0015356.
Familial cancer of breast. Also called: Hereditary breast cancer; hereditary breast carcinoma; BREAST CANCER, FAMILIAL. Identifiers: Orphanet 227535, MedGen C0346153, MONDO:0016419, OMIM 114480. Disease mechanism: loss of function.

Allele frequency attached by ClinVar (database versions not stated): gnomAD exomes below 0.00001; gnomAD 0.00001; TOPMed 0.00001.
gnomAD v4.1: 15 of 1,613,992 alleles (0.00093%); highest among the groups gnomAD compares: Non-Finnish European, 0.0013%; no homozygotes.

Submissions (11):

Labcorp Genetics (formerly Invitae), Labcorp
Classification: Likely benign for Familial cancer of breast. Last evaluated: 2025-12-14. Review status: criteria provided, single submitter. Criteria: Invitae Variant Classification Sherloc (09022015). Collection method: clinical testing. Allele origin: germline.

Quest Diagnostics Nichols Institute San Juan Capistrano
Classification: Likely benign. Last evaluated: 2025-07-08. Review status: criteria provided, single submitter. Criteria: Quest Diagnostics criteria. Collection method: clinical testing. Allele origin: unknown.

Myriad Genetics, Inc.
Classification: Benign for Familial cancer of breast. Last evaluated: 2024-10-02. Review status: criteria provided, single submitter. Criteria: Myriad Autosomal Dominant, Autosomal Recessive and X-Linked Classification Criteria (2023). Collection method: clinical testing. Allele origin: unknown.
Comment: This variant is considered benign. This variant is a silent/synonymous amino acid change and it is not expected to impact splicing.

Blueprint Genetics
Classification: Likely benign. Last evaluated: 2024-07-10. Review status: criteria provided, single submitter. Criteria: ACMG Guidelines, 2015. Collection method: clinical testing. Allele origin: germline.

CeGaT Center for Human Genetics Tuebingen
Classification: Likely benign. Last evaluated: 2024-02-01. Review status: criteria provided, single submitter. Criteria: CeGaT Center For Human Genetics Tuebingen Variant Classification Criteria Version 2. Collection method: clinical testing. Allele origin: germline. Affected: yes. Observed: 2 variant alleles.
Comment: CHEK2: BP4

Institute for Clinical Genetics, University Hospital TU Dresden, University Hospital TU Dresden
Classification: Likely benign. Last evaluated: 2021-11-03. Review status: criteria provided, single submitter. Criteria: ACMG Guidelines, 2015. Collection method: clinical testing. Allele origin: germline.

CHEO Genetics Diagnostic Laboratory, Children's Hospital of Eastern Ontario
Classification: Likely benign for Breast and/or ovarian cancer. Last evaluated: 2019-09-03. Review status: criteria provided, single submitter. Criteria: ACMG Guidelines, 2015. Collection method: clinical testing. Allele origin: germline.

Color Diagnostics, LLC DBA Color Health
Classification: Likely benign for Hereditary cancer-predisposing syndrome. Last evaluated: 2017-05-04. Review status: criteria provided, single submitter. Criteria: ACMG Guidelines, 2015. Collection method: clinical testing. Allele origin: germline.

Ambry Genetics
Classification: Likely benign for Hereditary cancer-predisposing syndrome. Last evaluated: 2015-11-24. Review status: criteria provided, single submitter. Criteria: Ambry Variant Classification Scheme 2023. Collection method: clinical testing. Allele origin: germline.

GeneDx
Classification: Benign. Last evaluated: 2014-03-20. Review status: criteria provided, single submitter. Criteria: GeneDx Variant Classification (06012015). Collection method: clinical testing. Allele origin: germline. Affected: yes.
Comment: This variant is considered likely benign or benign based on one or more of the following criteria: it is a conservative change, it occurs at a poorly conserved position in the protein, it is predicted to be benign by multiple in silico algorithms, and/or has population frequency not consistent with disease.

PreventionGenetics, part of Exact Sciences
Classification: Likely benign for CHEK2-related condition. Last evaluated: 2022-12-09. Review status: no assertion criteria provided. Collection method: clinical testing. Allele origin: germline. Not counted in ClinVar's aggregate classification.
Comment: This variant is classified as likely benign based on ACMG/AMP sequence variant interpretation guidelines (Richards et al. 2015 PMID: 25741868, with internal and published modifications).

NM_007194.4(CHEK2):c.528G>C (p.Gly176=)

Gene: CHEK2 (checkpoint kinase 2; minus strand). Cytogenetic location: 22q12.1.
Variant type: single nucleotide variant.
Coding change: c.528G>C on transcript NM_007194.4 (MANE Select); coding-DNA position 528, G replaced by C.
Protein change: p.Gly176=; no amino-acid change (glycine 176 retained).
Molecular consequence: synonymous variant. On other transcripts: 5 prime UTR variant (2), intron variant (1).
Genome position (GRCh38, 1-based): chr22:28,725,041, C>G on the plus strand (G>C on the coding strand, the complement: CHEK2 is on the minus strand). VCF-style: chr22-28725041-C-G. GRCh37 (hg19) VCF-style: chr22-29121029-C-G.
Other names: p.G176G:GGG>GGC; c.657G>C, p.Gly219= (NM_001005735.3, NM_001438294.1); c.-250G>C (NM_001257387.3); c.-136G>C (NM_001437942.1); c.621G>C, p.Gly207= (NM_001438293.1, NM_001438295.1); c.528G>C, p.Gly176= (NM_145862.3); c.445-118G>C (NM_001349956.3).
Identifiers: ClinVar variation 136741 (VCV000136741.52), dbSNP rs587780889, ClinGen allele CA290066.